The following is an entry in ClinVar:

NM_001135998.3(NDUFB11):c.2T>A (p.Met1Lys)

Gene: NDUFB11 (NADH:ubiquinone oxidoreductase subunit B11; minus strand). Cytogenetic location: Xp11.3.
Variant type: single nucleotide variant.
Coding change: c.2T>A on transcript NM_001135998.3 (MANE Select); coding-DNA position 2, T replaced by A.
Protein change: p.Met1Lys; changes the start codon (methionine 1).
Molecular consequence: missense variant, initiator codon variant.
Genome position (GRCh38, 1-based): chrX:47,144,678, A>T on the plus strand (T>A on the coding strand, the complement: NDUFB11 is on the minus strand). VCF-style: chrX-47144678-A-T. GRCh37 (hg19) VCF-style: chrX-47004077-A-T.
Other names: c.2T>A, p.Met1Lys (NM_019056.7); short protein forms M1K.
Identifiers: ClinVar variation 1048558 (VCV001048558.3), dbSNP rs2147053636, ClinGen allele CA412782703.

ClinVar aggregate classification (germline): Uncertain significance (1 of 4 stars; one submission).

Conditions:
Linear skin defects with multiple congenital anomalies 3 (LSDMCA3). Also called: LINEAR SKIN DEFECTS WITH CARDIOMYOPATHY AND OTHER CONGENITAL ANOMALIES. Identifiers: Orphanet 2556, MedGen C4225421, MONDO:0010494, OMIM 300952.

Submission:

Breda Genetics srl
Classification: Uncertain significance for Linear skin defects with multiple congenital anomalies 3. Last evaluated: 2018-01-10. Review status: criteria provided, single submitter. Criteria: ACMG Guidelines, 2015. Collection method: clinical testing. Allele origin: germline. Inheritance: X-linked dominant inheritance. Affected: yes. Observed: 1 variant allele, 1 heterozygote.
Comment: The variant c.2T>A (p.Met1?) in the NDUFB11 gene has not been reported in dbSNP, gnomAD, 1000 Genomes, NHLI Exome Sequencing Project (ESP) or ClinVar. The nucleotide position is moderately conserved across 35 mammalian species (GERP RS: 2.91). In silico analysis gives inconsistent results. The variant affects the start codon of the mRNA. The assessment of start-loss variants is difficult, and it is not possible to consider this type of variants as likely pathogenic a priori. However, because no alternative ATG sites are present in exon 1 of this gene, we cannot exclude that this variant may significantly impact the transcription process, resulting in major anomalies of the mRNA. Based on ACMG variant interpretation guidelines, we classify this variant as uncertain. However, on the basis of the aforementioned evidence, there is a given likelihood that the variant may actually be pathogenic, even if we cannot exclude that it is a rare benign variant.